The following is an entry in ClinVar:

ClinVar aggregate classification (germline): Pathogenic. Review status: criteria provided, multiple submitters, no conflicts (2 of 4 stars). 4 submissions from 4 submitters: Pathogenic (4). Last evaluated 2026-10-29.

Conditions:
Leydig cell agenesis. Also called: LEYDIG CELL HYPOPLASIA WITH MALE PSEUDOHERMAPHRODITISM; LEYDIG CELL HYPOPLASIA, COMPLETE; HYPERGONADOTROPIC HYPOGONADISM, MALE, DUE TO LHCGR DEFECT; Leydig cell hypoplasia, type 1. Identifiers: MedGen C0266432, MONDO:0009384, OMIM 238320.

Submissions (4):

Department of Molecular Genetics, Istishari Arab Hospital
Classification: Pathogenic for Leydig cell agenesis. Last evaluated: 2026-10-29. Review status: criteria provided, single submitter. Criteria: ACMG Guidelines, 2015. Collection method: clinical testing. Allele origin: germline. Inheritance: Autosomal recessive inheritance. Affected: yes.
Comment: The LHCGR variant c.562G>T, p.Glu188* creates a termination codon at position 188 in exon 7 (of 11 exons). The variant is not observed in the gnomAD v4.1.0 dataset. This variant has previously been identified in an affected individual with autosomal recessive Leydig Cell Hypoplasia (PMID: 25383892). It is classified as pathogenic according to the recommendations of ACMG/AMP/ClinGen SVI guidelines.

Revvity Omics, Revvity
Classification: Pathogenic. Last evaluated: 2025-05-29. Review status: criteria provided, single submitter. Criteria: ACMG Guidelines, 2015. Collection method: clinical testing. Allele origin: germline.

Women's Health and Genetics/Laboratory Corporation of America, LabCorp
Classification: Pathogenic for Leydig cell agenesis. Last evaluated: 2024-11-01. Review status: criteria provided, single submitter. Criteria: LabCorp Variant Classification Summary - May 2015. Collection method: clinical testing. Allele origin: germline.
Comment: Variant summary: LHCGR c.562G>T (p.Glu188X) results in a premature termination codon, predicted to cause a truncation of the encoded protein or absence of the protein due to nonsense mediated decay, which are commonly known mechanisms for disease. The variant was absent in 251130 control chromosomes. c.562G>T has been reported in the literature as a homozygous genotype in at-least one individual affected with features of Leydig Cell Hypoplasia, specifically a 46,XY disorder of sex development (example, Baxter_2014) from a reportedly consanguineous family. These data indicate that the variant may be associated with disease. To our knowledge, no experimental evidence demonstrating an impact on protein function has been reported. ClinVar contains an entry for this variant (Variation ID: 2203075). The following publication have been ascertained in the context of this evaluation (PMID: 25383892). Based on the evidence outlined above, the variant was classified as pathogenic.

Labcorp Genetics (formerly Invitae), Labcorp
Classification: Pathogenic. Last evaluated: 2024-10-12. Review status: criteria provided, single submitter. Criteria: Invitae Variant Classification Sherloc (09022015). Collection method: clinical testing. Allele origin: germline.
Comment: This sequence change creates a premature translational stop signal (p.Glu188*) in the LHCGR gene. It is expected to result in an absent or disrupted protein product. Loss-of-function variants in LHCGR are known to be pathogenic (PMID: 25383892, 27016457). This variant is not present in population databases (gnomAD no frequency). This premature translational stop signal has been observed in individual(s) with 46, XY disorder of sex development (PMID: 25383892). ClinVar contains an entry for this variant (Variation ID: 2203075). Algorithms developed to predict the effect of sequence changes on RNA splicing suggest that this variant may disrupt the consensus splice site. For these reasons, this variant has been classified as Pathogenic.

Literature cited by the submitters: PubMed 25383892 (cited by 3 submitters); PubMed 27016457 (cited by Labcorp Genetics (formerly Invitae), Labcorp).

NM_000233.4(LHCGR):c.562G>T (p.Glu188Ter)

Genes: LHCGR (luteinizing hormone/choriogonadotropin receptor; minus strand), STON1-GTF2A1L (STON1-GTF2A1L readthrough; plus strand). Cytogenetic location: 2p16.3.
Variant type: single nucleotide variant.
Coding change: c.562G>T on transcript NM_000233.4 (MANE Select); coding-DNA position 562, G replaced by T.
Protein change: p.Glu188Ter; replaces glutamic acid 188 with a stop codon.
Molecular consequence: nonsense. On other transcripts: intron variant (1).
Genome position (GRCh38, 1-based): chr2:48,714,029, C>A on the plus strand (G>T on the coding strand, the complement: LHCGR is on the minus strand). VCF-style: chr2-48714029-C-A. GRCh37 (hg19) VCF-style: chr2-48941168-C-A.
Other names: p.Glu188*; c.3441+42349C>A (NM_001198593.2); short protein forms E188*.
Identifiers: ClinVar variation 2203075 (VCV002203075.7), dbSNP rs2529810344, ClinGen allele CA346756925.
Genomic context (GRCh38, chr2:48,714,029, plus strand): 5'-AATAAGCAAATACTTACAGTGAAGTCAGTGTCGTCCCATTGAATGCATGACTTTGTACTT[C>A]TTCAAATCCATTTCCATATAGTTTGCTGAAGGAGGGAGGAGAGGGTTTAGGAATGGGAAG-3'